The following is an entry in ClinVar:

ClinVar aggregate classification (germline): Uncertain significance (1 of 4 stars; one submission).

Allele frequency attached by ClinVar (database versions not stated): gnomAD exomes below 0.00001.
gnomAD v4.1: 2 of 1,613,950 alleles (0.00012%); highest among the groups gnomAD compares: Non-Finnish European, 0.00017%; no homozygotes.

Submission:

CeGaT Center for Human Genetics Tuebingen
Classification: Uncertain significance. Last evaluated: 2022-09-01. Review status: criteria provided, single submitter. Criteria: CeGaT Center For Human Genetics Tuebingen Variant Classification Criteria Version 2. Collection method: clinical testing. Allele origin: germline. Affected: yes. Observed: 1 variant allele.
Comment: MACF1: PM2:Supporting

NM_001394062.1(MACF1):c.2102A>G (p.Tyr701Cys)

Gene: MACF1 (microtubule actin crosslinking factor 1; plus strand). Cytogenetic location: 1p34.3.
Variant type: single nucleotide variant.
Coding change: c.2102A>G on transcript NM_001394062.1 (MANE Select); coding-DNA position 2102, A replaced by G.
Protein change: p.Tyr701Cys; replaces tyrosine 701 with cysteine.
Molecular consequence: missense variant.
Genome position (GRCh38, 1-based): chr1:39,293,567, A>G. VCF-style: chr1-39293567-A-G. GRCh37 (hg19) VCF-style: chr1-39759239-A-G.
Other names: c.2117A>G, p.Tyr706Cys (NM_012090.5); short protein forms Y701C, Y706C.
Identifiers: ClinVar variation 1711216 (VCV001711216.30), dbSNP rs544785309, ClinGen allele CA779606.
Genomic context (GRCh38, chr1:39,293,567, plus strand): 5'-TTTCCAGAGCTACAGCTGAGTTGATCTGGTTGAATGAGAAGGAGGAGGAGGAACTAGCAT[A>G]TGACTGGAGTGACAACAATTCCAATATCTCAGCCAAGAGAAATTACTTCTCTGTGAGTCT-3'
Protein context (NP_001380991.1, residues 691-711): LNEKEEEELA[Tyr701Cys]DWSDNNSNIS